The following is an entry in ClinVar:

ClinVar aggregate classification (germline): Uncertain significance (1 of 4 stars; one submission).

Conditions:
Microcephaly, normal intelligence and immunodeficiency (NBS). Also called: Nijmegen breakage syndrome; Microcephaly with normal intelligence immunodeficiency and lymphoreticular malignancies; Nonsyndromal microcephaly autosomal recessive with normal intelligence; Seemanova syndrome 2; IMMUNODEFICIENCY, MICROCEPHALY, AND CHROMOSOMAL INSTABILITY; SEEMANOVA SYNDROME II. Identifiers: Orphanet 647, MedGen C0398791, MONDO:0009623, OMIM 251260.

Submission:

Labcorp Genetics (formerly Invitae), Labcorp
Classification: Uncertain significance for Microcephaly, normal intelligence and immunodeficiency. Last evaluated: 2021-10-05. Review status: criteria provided, single submitter. Criteria: Invitae Variant Classification Sherloc (09022015). Collection method: clinical testing. Allele origin: germline.
Comment: In summary, the available evidence is currently insufficient to determine the role of this variant in disease. Therefore, it has been classified as a Variant of Uncertain Significance. Algorithms developed to predict the effect of missense changes on protein structure and function are either unavailable or do not agree on the potential impact of this missense change (SIFT: "Tolerated"; PolyPhen-2: "Probably Damaging"; Align-GVGD: "Class C0"). This variant has not been reported in the literature in individuals affected with NBN-related conditions. This variant is not present in population databases (ExAC no frequency). This sequence change replaces alanine with aspartic acid at codon 740 of the NBN protein (p.Ala740Asp). The alanine residue is moderately conserved and there is a moderate physicochemical difference between alanine and aspartic acid.

NM_002485.5(NBN):c.2219C>A (p.Ala740Asp)

Gene: NBN (nibrin; minus strand). Cytogenetic location: 8q21.3.
Variant type: single nucleotide variant.
Coding change: c.2219C>A on transcript NM_002485.5 (MANE Select); coding-DNA position 2219, C replaced by A.
Protein change: p.Ala740Asp; replaces alanine 740 with aspartic acid.
Molecular consequence: missense variant.
Genome position (GRCh38, 1-based): chr8:89,937,041, G>T on the plus strand (C>A on the coding strand, the complement: NBN is on the minus strand). VCF-style: chr8-89937041-G-T. GRCh37 (hg19) VCF-style: chr8-90949269-G-T.
Other names: c.1973C>A, p.Ala658Asp (NM_001024688.3); short protein forms A658D, A740D.
Identifiers: ClinVar variation 1479152 (VCV001479152.6), dbSNP rs1554554240, ClinGen allele CA371674769.